The following is an entry in ClinVar:

ClinVar aggregate classification (germline): Uncertain significance (1 of 4 stars; one submission).

Conditions:
SH2B1-related disorder. Also called: SH2B1-related condition.

gnomAD v4.1: 10 of 1,613,994 alleles (0.00062%); highest among the groups gnomAD compares: Non-Finnish European, 0.00076%; no homozygotes.

Submission:

PreventionGenetics, part of Exact Sciences
Classification: Uncertain significance for SH2B1-related condition. Last evaluated: 2024-11-26. Review status: criteria provided, single submitter. Criteria: ACMG Guidelines, 2015. Collection method: clinical testing. Allele origin: germline.
Comment: The SH2B1 c.1637C>T variant is predicted to result in the amino acid substitution p.Thr546Ile. To our knowledge, this variant has not been reported in the literature. A different amino acid substitution at this position (p.Thr546Ala) was previously reported in association with obesity (Pearce et al. 2014. PubMed ID: 24971614). This variant is reported in 0.0035% of alleles in individuals of European (non-Finnish) descent in gnomAD. At this time, the clinical significance of this variant is uncertain due to the absence of conclusive functional and genetic evidence.

NM_001387430.1(SH2B1):c.1637C>T (p.Thr546Ile)

Gene: SH2B1 (SH2B adaptor protein 1; plus strand). Cytogenetic location: 16p11.2.
Variant type: single nucleotide variant.
Coding change: c.1637C>T on transcript NM_001387430.1 (MANE Select); coding-DNA position 1637, C replaced by T.
Protein change: p.Thr546Ile; replaces threonine 546 with isoleucine.
Molecular consequence: missense variant.
Genome position (GRCh38, 1-based): chr16:28,872,313, C>T. VCF-style: chr16-28872313-C-T. GRCh37 (hg19) VCF-style: chr16-28883634-C-T.
Other names: c.1637C>T, p.Thr546Ile (NM_001145795.2, NM_001145796.2, NM_001145797.2 and 4 more transcripts); c.629C>T, p.Thr210Ile (NM_001308294.2); short protein forms T210I, T546I.
Identifiers: ClinVar variation 4990368 (VCV004990368.1).